The following is an entry in ClinVar:

NM_001062.4(TCN1):c.217C>T (p.Gln73Ter)

Gene: TCN1 (transcobalamin 1; minus strand). Cytogenetic location: 11q12.1.
Variant type: single nucleotide variant.
Coding change: c.217C>T on transcript NM_001062.4 (MANE Select); coding-DNA position 217, C replaced by T.
Protein change: p.Gln73Ter; replaces glutamine 73 with a stop codon.
Molecular consequence: nonsense.
Genome position (GRCh38, 1-based): chr11:59,863,949, G>A on the plus strand (C>T on the coding strand, the complement: TCN1 is on the minus strand). VCF-style: chr11-59863949-G-A. GRCh37 (hg19) VCF-style: chr11-59631422-G-A.
Other names: short protein forms Q73*.
Identifiers: ClinVar variation 3665609 (VCV003665609.2).

ClinVar aggregate classification (germline): Pathogenic (1 of 4 stars; one submission).

Conditions:
Transcobalamin I deficiency (TCN1D). Also called: COBALAMIN PSEUDODEFICIENCY DUE TO TRANSCOBALAMIN DEFICIENCY; COBALAMIN R BINDER PROTEIN DEFICIENCY; TCN1 DEFICIENCY. Identifiers: Orphanet 2967, MedGen C0342700, MONDO:0008659, OMIM 193090.

gnomAD v4.1: 103 of 1,613,872 alleles (0.0064%); highest among the groups gnomAD compares: Admixed American, 0.023%; no homozygotes.

Submission:

Labcorp Genetics (formerly Invitae), Labcorp
Classification: Pathogenic for Transcobalamin I deficiency. Last evaluated: 2025-08-18. Review status: criteria provided, single submitter. Criteria: Invitae Variant Classification Sherloc (09022015). Collection method: clinical testing. Allele origin: germline.
Comment: This sequence change creates a premature translational stop signal (p.Gln73*) in the TCN1 gene. It is expected to result in an absent or disrupted protein product. Loss-of-function variants in TCN1 are known to be pathogenic (PMID: 19686235). This variant is present in population databases (rs377535980, gnomAD 0.01%). This premature translational stop signal has been observed in individual(s) with transcobalamin I deficiency (PMID: 19686235). This variant is also known as c.315C>T. ClinVar contains an entry for this variant (Variation ID: 3665609). For these reasons, this variant has been classified as Pathogenic.

Literature cited by the submitters: PubMed 19686235.